The following is an entry in ClinVar:

ClinVar aggregate classification (germline): Uncertain significance. Review status: criteria provided, multiple submitters, no conflicts (2 of 4 stars). 2 submissions from 2 submitters: Uncertain significance (2). Last evaluated 2025-08-20.

Conditions:
Inborn genetic diseases. Identifiers: MedGen C0950123, MeSH D030342.
Muscular dystrophy-dystroglycanopathy (congenital with brain and eye anomalies), type A9. Also called: WALKER-WARBURG SYNDROME OR MUSCLE-EYE BRAIN DISEASE, DAG1-RELATED; Muscular dystrophy-dystroglycanopathy (congenital with brain and eye anomalies), type a, 9. Identifiers: Orphanet 370997, Orphanet 899, MedGen C4225291, MONDO:0014683, OMIM 616538.
Autosomal recessive limb-girdle muscular dystrophy type 2P. Also called: Limb-Girdle Muscular Dystrophy Type 9C; MUSCULAR DYSTROPHY, LIMB-GIRDLE, TYPE 2P; MUSCULAR DYSTROPHY-DYSTROGLYCANOPATHY, LIMB-GIRDLE, DAG1-RELATED. Identifiers: Orphanet 280333, MedGen C4511963, MONDO:0013440, OMIM 613818.

Allele frequency attached by ClinVar (database versions not stated): gnomAD exomes below 0.00001 and 0.00001; gnomAD 0.00001; TOPMed 0.00002.
gnomAD v4.1: 6 of 1,613,970 alleles (0.00037%); highest among the groups gnomAD compares: Non-Finnish European, 0.00051%; no homozygotes.

Submissions (2):

Ambry Genetics
Classification: Uncertain significance for Inborn genetic diseases. Last evaluated: 2025-08-20. Review status: criteria provided, single submitter. Criteria: Ambry Variant Classification Scheme 2023. Collection method: clinical testing. Allele origin: germline.

Labcorp Genetics (formerly Invitae), Labcorp
Classification: Uncertain significance for Autosomal recessive limb-girdle muscular dystrophy type 2P; Muscular dystrophy-dystroglycanopathy (congenital with brain and eye anomalies), type A9. Last evaluated: 2021-08-31. Review status: criteria provided, single submitter. Criteria: Invitae Variant Classification Sherloc (09022015). Collection method: clinical testing. Allele origin: germline.
Comment: This sequence change replaces alanine with valine at codon 789 of the DAG1 protein (p.Ala789Val). The alanine residue is moderately conserved and there is a small physicochemical difference between alanine and valine. This variant is not present in population databases (ExAC no frequency). This variant has not been reported in the literature in individuals affected with DAG1-related conditions. Algorithms developed to predict the effect of missense changes on protein structure and function are either unavailable or do not agree on the potential impact of this missense change (SIFT: "Tolerated"; PolyPhen-2: "Probably Damaging"; Align-GVGD: "Class C0"). Algorithms developed to predict the effect of sequence changes on RNA splicing suggest that this variant may create or strengthen a splice site. In summary, the available evidence is currently insufficient to determine the role of this variant in disease. Therefore, it has been classified as a Variant of Uncertain Significance.

NM_004393.6(DAG1):c.2366C>T (p.Ala789Val)

Gene: DAG1 (dystroglycan 1; plus strand). Cytogenetic location: 3p21.31.
Variant type: single nucleotide variant.
Coding change: c.2366C>T on transcript NM_004393.6 (MANE Select); coding-DNA position 2366, C replaced by T.
Protein change: p.Ala789Val; replaces alanine 789 with valine.
Molecular consequence: missense variant.
Genome position (GRCh38, 1-based): chr3:49,532,877, C>T. VCF-style: chr3-49532877-C-T. GRCh37 (hg19) VCF-style: chr3-49570310-C-T.
Other names: c.2366C>T, p.Ala789Val (NM_001165928.4, NM_001177634.3, NM_001177635.3 and 9 more transcripts); c.2366C>T (NM_004393.4); short protein forms A789V.
Identifiers: ClinVar variation 573390 (VCV000573390.5), dbSNP rs1426926145, ClinGen allele CA352797678.
Genomic context (GRCh38, chr3:49,532,877, plus strand): 5'-TCATTGCCATGATCTGCTACCGCAAGAAGCGGAAGGGCAAGCTTACCCTTGAGGACCAGG[C>T]CACCTTCATCAAGAAGGGGGTGCCTATCATCTTTGCAGACGAACTGGACGACTCCAAGCC-3'
Protein context (NP_004384.5, residues 779-799): RKGKLTLEDQ[Ala789Val]TFIKKGVPII